The following is an entry in ClinVar:

NM_001165963.4(SCN1A):c.769T>C (p.Cys257Arg)

Gene: SCN1A (sodium voltage-gated channel alpha subunit 1; minus strand). Cytogenetic location: 2q24.3.
Variant type: single nucleotide variant.
Coding change: c.769T>C on transcript NM_001165963.4 (MANE Select); coding-DNA position 769, T replaced by C.
Protein change: p.Cys257Arg; replaces cysteine 257 with arginine.
Molecular consequence: missense variant. On other transcripts: 5 prime UTR variant (1), non-coding transcript variant (1).
Genome position (GRCh38, 1-based): chr2:166,051,914, A>G on the plus strand (T>C on the coding strand, the complement: SCN1A is on the minus strand). VCF-style: chr2-166051914-A-G. GRCh37 (hg19) VCF-style: chr2-166908424-A-G.
Other names: p.C257R:TGT>CGT; c.769T>C, p.Cys257Arg (NM_001165964.3, NM_001202435.3, NM_001353948.2 and 10 more transcripts); c.-1657T>C (NM_001353961.2); short protein forms C257R.
Identifiers: ClinVar variation 189934 (VCV000189934.2), dbSNP rs794726771, ClinGen allele CA303350.

ClinVar aggregate classification (germline): Pathogenic/Likely pathogenic. Review status: criteria provided, multiple submitters, no conflicts (2 of 4 stars). 2 submissions from 2 submitters: Pathogenic (1); Likely pathogenic (1). Last evaluated 2018-08-21.

Conditions:
Severe myoclonic epilepsy in infancy (DRVT). Also called: Epileptic encephalopathy, early infantile, 6 (Dravet syndrome); SEVERE MYOCLONIC EPILEPSY OF INFANCY; DEVELOPMENTAL AND EPILEPTIC ENCEPHALOPATHY 6A; Severe Myoclonic Epilepsy in Infancy (SMEI); Dravet syndrome. Identifiers: Orphanet 33069, MedGen C0751122, MONDO:0100135, OMIM 607208.

Submissions (2):

GeneDx
Classification: Likely pathogenic. Last evaluated: 2018-08-21. Review status: criteria provided, single submitter. Criteria: GeneDx Variant Classification (06012015). Collection method: clinical testing. Allele origin: germline. Affected: yes.
Comment: p.Cys257Arg (TGT>CGT): c.769 T>C in exon 6 of the SCN1A gene (NM_001165963.1) The Cys257Arg missense change has not been published as a mutation, nor has it been reported as a benign polymorphism to our knowledge. It was not observed in approximately 6,500 individuals of European and African American ancestry in the NHLBI Exome Sequencing Project, indicating it is not a common benign variant in these populations. The amino acid substitution is non-conservative, as an uncharged Cysteine residue is replaced by a positively charged Arginine residue, and the loss of a Cysteine may affect disulfide bond formation in the protein. It alters a highly conserved position in the S5 segment of the first transmembrane domain of the protein, and multiple in silico algorithms predict it may be damaging to protein structure/function. Therefore, based on the currently available information, Cys257Arg is a strong candidate for a disease-causing mutation, although the possibility that it is a benign variant cannot be excluded. The variant is found in EPILEPSY panel(s).

Center for Bioinformatics, Peking University
Classification: Pathogenic for Dravet syndrome. Last evaluated: 2014-12-20. Review status: criteria provided, single submitter. Criteria: Xu et al. (Hum Mutat. 2015). Collection method: research. Allele origin: de novo. Affected: yes. Observed: 1 variant allele. Study: University Clinical Cooperation “985 Project” PKU-2014-1-1.
Comment: Dravet syndrome (DS) probands were recruited from the outpatient and inpatient child neurology units of Peking University First Hospital from 2005 till present. The study was approved by the Ethics Committee of Peking University First Hospital and the Institutional Review Board at Peking University. Participants or their parents provided written informed consent before enrollment. We collected a total of 267 mutations from 255 families with probands diagnosed with DS in China. All probands fulfilled the clinical diagnostic criteria.